The following is an entry in ClinVar:

ClinVar aggregate classification (germline): Conflicting classifications of pathogenicity. Review status: criteria provided, conflicting classifications (1 of 4 stars). 2 submissions from 2 submitters: Uncertain significance (1); Likely benign (1). Last evaluated 2025-10-31.

Conditions:
Atrioventricular septal defect 5 (AVSD5). Identifiers: MedGen C3280939, MONDO:0013769, OMIM 614474.
Inborn genetic diseases. Identifiers: MedGen C0950123, MeSH D030342.

gnomAD v4.1: 3 of 1,437,398 alleles (0.00021%); highest among the groups gnomAD compares: Non-Finnish European, 0.00027%; no homozygotes.

Submissions (2):

Labcorp Genetics (formerly Invitae), Labcorp
Classification: Uncertain significance for Atrioventricular septal defect 5. Last evaluated: 2025-10-31. Review status: criteria provided, single submitter. Criteria: Invitae Variant Classification Sherloc (09022015). Collection method: clinical testing. Allele origin: germline.
Comment: This sequence change replaces proline, which is neutral and non-polar, with histidine, which is basic and polar, at codon 308 of the GATA6 protein (p.Pro308His). The frequency data for this variant in the population databases is considered unreliable, as metrics indicate insufficient coverage at this position in the gnomAD database. This variant has not been reported in the literature in individuals affected with GATA6-related conditions. ClinVar contains an entry for this variant (Variation ID: 2711575). Invitae Evidence Modeling of protein sequence and biophysical properties (such as structural, functional, and spatial information, amino acid conservation, physicochemical variation, residue mobility, and thermodynamic stability) indicates that this missense variant is not expected to disrupt GATA6 protein function with a negative predictive value of 80%. In summary, the available evidence is currently insufficient to determine the role of this variant in disease. Therefore, it has been classified as a Variant of Uncertain Significance.

Ambry Genetics
Classification: Likely benign for Inborn genetic diseases. Last evaluated: 2025-10-18. Review status: criteria provided, single submitter. Criteria: Ambry Variant Classification Scheme 2023. Collection method: clinical testing. Allele origin: germline.

NM_005257.6(GATA6):c.923C>A (p.Pro308His)

Gene: GATA6 (GATA binding protein 6; plus strand). Cytogenetic location: 18q11.2.
Variant type: single nucleotide variant.
Coding change: c.923C>A on transcript NM_005257.6 (MANE Select); coding-DNA position 923, C replaced by A.
Protein change: p.Pro308His; replaces proline 308 with histidine.
Molecular consequence: missense variant.
Genome position (GRCh38, 1-based): chr18:22,172,067, C>A. VCF-style: chr18-22172067-C-A. GRCh37 (hg19) VCF-style: chr18-19752028-C-A.
Other names: c.923C>A (NM_005257.3); short protein forms P308H.
Identifiers: ClinVar variation 2711575 (VCV002711575.4), dbSNP rs2033059401, ClinGen allele CA401801415.